The following is an entry in ClinVar:

ClinVar aggregate classification (germline): Likely benign. Review status: criteria provided, multiple submitters, no conflicts (2 of 4 stars). 2 submissions from 2 submitters: Likely benign (2). Last evaluated 2025-12-26.

Conditions:
PEX16-related disorder. Also called: PEX16-related condition.
Peroxisome biogenesis disorder. Identifiers: Orphanet 79189, MedGen C1832200, MONDO:0019234. Disease mechanism: loss of function.

Allele frequency attached by ClinVar (database versions not stated): gnomAD 0.00001; ExAC 0.00005; TOPMed 0.00005; gnomAD exomes 0.00009.
gnomAD v4.1: 56 of 1,608,150 alleles (0.0035%); highest among the groups gnomAD compares: Non-Finnish European, 0.00025%; no homozygotes.

Submissions (2):

Labcorp Genetics (formerly Invitae), Labcorp
Classification: Likely benign for Peroxisome biogenesis disorder. Last evaluated: 2025-12-26. Review status: criteria provided, single submitter. Criteria: Invitae Variant Classification Sherloc (09022015). Collection method: clinical testing. Allele origin: germline.

PreventionGenetics, part of Exact Sciences
Classification: Likely benign for PEX16-related condition. Last evaluated: 2025-05-29. Review status: criteria provided, single submitter. Criteria: ACMG Guidelines, 2015. Collection method: clinical testing. Allele origin: germline.
Comment: This variant is classified as likely benign based on ACMG/AMP sequence variant interpretation guidelines (Richards et al. 2015 PMID: 25741868, with internal and published modifications).

NM_004813.4(PEX16):c.542-4C>G

Gene: PEX16 (peroxisomal biogenesis factor 16; minus strand). Cytogenetic location: 11p11.2.
Variant type: single nucleotide variant.
Coding change: c.542-4C>G on transcript NM_004813.4 (MANE Select); 4 bases into the intron before coding-DNA position 542, C replaced by G.
Molecular consequence: intron variant.
Genome position (GRCh38, 1-based): chr11:45,914,472, G>C on the plus strand (C>G on the coding strand, the complement: PEX16 is on the minus strand). VCF-style: chr11-45914472-G-C. GRCh37 (hg19) VCF-style: chr11-45936023-G-C.
Other names: c.542-4C>G (NM_004813.2, NM_057174.3).
Identifiers: ClinVar variation 1100017 (VCV001100017.10), dbSNP rs755666423, ClinGen allele CA5959924.